The following is an entry in ClinVar:

ClinVar aggregate classification (germline): Uncertain significance (1 of 4 stars; one submission).

Conditions:
Maple syrup urine disease (MSUD). Identifiers: Orphanet 511, MedGen C0024776, MeSH D008375, MONDO:0009563. Disease mechanism: loss of function.

Submission:

Labcorp Genetics (formerly Invitae), Labcorp
Classification: Uncertain significance for Maple syrup urine disease. Last evaluated: 2024-02-07. Review status: criteria provided, single submitter. Criteria: Invitae Variant Classification Sherloc (09022015). Collection method: clinical testing. Allele origin: germline.
Comment: This sequence change replaces leucine, which is neutral and non-polar, with valine, which is neutral and non-polar, at codon 225 of the BCKDHB protein (p.Leu225Val). This variant is not present in population databases (gnomAD no frequency). This missense change has been observed in individual(s) with clinical features of maple syrup urine disease (Invitae). In at least one individual the data is consistent with being in trans (on the opposite chromosome) from a pathogenic variant. Advanced modeling of protein sequence and biophysical properties (such as structural, functional, and spatial information, amino acid conservation, physicochemical variation, residue mobility, and thermodynamic stability) has been performed at Invitae for this missense variant, however the output from this modeling did not meet the statistical confidence thresholds required to predict the impact of this variant on BCKDHB protein function. In summary, the available evidence is currently insufficient to determine the role of this variant in disease. Therefore, it has been classified as a Variant of Uncertain Significance.

NM_183050.4(BCKDHB):c.673C>G (p.Leu225Val)

Gene: BCKDHB (branched chain keto acid dehydrogenase E1 subunit beta; plus strand). Cytogenetic location: 6q14.1.
Variant type: single nucleotide variant.
Coding change: c.673C>G on transcript NM_183050.4 (MANE Select); coding-DNA position 673, C replaced by G.
Protein change: p.Leu225Val; replaces leucine 225 with valine.
Molecular consequence: missense variant. On other transcripts: non-coding transcript variant (4).
Genome position (GRCh38, 1-based): chr6:80,171,321, C>G. VCF-style: chr6-80171321-C-G. GRCh37 (hg19) VCF-style: chr6-80881038-C-G.
Other names: c.673C>G, p.Leu225Val (NM_000056.5, NM_001424035.1, NM_001424036.1 and 7 more transcripts); c.463C>G, p.Leu155Val (NM_001318975.1, NM_001424043.1); short protein forms L155V, L225V.
Identifiers: ClinVar variation 2910201 (VCV002910201.3), dbSNP rs2481920050, ClinGen allele CA364658631.